The following is an entry in ClinVar:

NM_025243.4(SLC19A3):c.1024G>A (p.Asp342Asn)

Gene: SLC19A3 (solute carrier family 19 member 3; minus strand). Cytogenetic location: 2q36.3.
Variant type: single nucleotide variant.
Coding change: c.1024G>A on transcript NM_025243.4 (MANE Select); coding-DNA position 1024, G replaced by A.
Protein change: p.Asp342Asn; replaces aspartic acid 342 with asparagine.
Molecular consequence: missense variant.
Genome position (GRCh38, 1-based): chr2:227,696,037, C>T on the plus strand (G>A on the coding strand, the complement: SLC19A3 is on the minus strand). VCF-style: chr2-227696037-C-T. GRCh37 (hg19) VCF-style: chr2-228560753-C-T.
Other names: short protein forms D342N.
Identifiers: ClinVar variation 568914 (VCV000568914.7), dbSNP rs376305641, ClinGen allele CA66658917.

ClinVar aggregate classification (germline): Uncertain significance. Review status: criteria provided, multiple submitters, no conflicts (2 of 4 stars). 2 submissions from 2 submitters: Uncertain significance (2). Last evaluated 2025-05-27.

Conditions:
Biotin-responsive basal ganglia disease (BTBGD). Also called: Thiamine metabolism dysfunction syndrome type 2; Thiamine Transporter-2 Deficiency; Thiamine metabolism dysfunction syndrome 2 (biotin- or thiamine-responsive encephalopathy type 2); thiamine-responsive encephalopathy; THIAMINE METABOLISM DYSFUNCTION SYNDROME 2 (BIOTIN- AND THIAMINE-RESPONSIVE TYPE). Identifiers: Orphanet 199348, Orphanet 65284, MedGen C1843807, MONDO:0011841, OMIM 607483.

Allele frequency attached by ClinVar (database versions not stated): gnomAD exomes below 0.00001; gnomAD 0.00003; TOPMed 0.00004.
gnomAD v4.1: 9 of 1,614,068 alleles (0.00056%); highest among the groups gnomAD compares: African/African-American, 0.012%; no homozygotes.

Submissions (2):

GeneDx
Classification: Uncertain significance. Last evaluated: 2025-05-27. Review status: criteria provided, single submitter. Criteria: GeneDx Variant Classification Process June 2021. Collection method: clinical testing. Allele origin: germline. Affected: yes.
Comment: Not observed at significant frequency in large population cohorts (gnomAD); In silico analysis suggests that this missense variant does not alter protein structure/function; Has not been previously published as pathogenic or benign to our knowledge

Labcorp Genetics (formerly Invitae), Labcorp
Classification: Uncertain significance for Biotin-responsive basal ganglia disease. Last evaluated: 2021-09-01. Review status: criteria provided, single submitter. Criteria: Invitae Variant Classification Sherloc (09022015). Collection method: clinical testing. Allele origin: germline.
Comment: This sequence change replaces aspartic acid with asparagine at codon 342 of the SLC19A3 protein (p.Asp342Asn). The aspartic acid residue is moderately conserved and there is a small physicochemical difference between aspartic acid and asparagine. This variant is not present in population databases (ExAC no frequency). This variant has not been reported in the literature in individuals affected with SLC19A3-related conditions. Algorithms developed to predict the effect of missense changes on protein structure and function output the following: SIFT: "Tolerated"; PolyPhen-2: "Benign"; Align-GVGD: "Class C0". The asparagine amino acid residue is found in multiple mammalian species, which suggests that this missense change does not adversely affect protein function. In summary, the available evidence is currently insufficient to determine the role of this variant in disease. Therefore, it has been classified as a Variant of Uncertain Significance.